The following is an entry in ClinVar:

NC_000007.13:g.(?_124532300)_(124537227_?)dup

Gene: POT1 (protection of telomeres 1; minus strand). Cytogenetic location: 7q31.33.
Variant type: Duplication.
Identifiers: ClinVar variation 3245824 (VCV003245824.1).

ClinVar aggregate classification (germline): Uncertain significance (1 of 4 stars; one submission).

Conditions:
Tumor predisposition syndrome 3 (TPDS3). Also called: Glioma susceptibility 9; LONG TELOMERE SYNDROME, POT1-RELATED; POT1 Tumor Predisposition; Melanoma, cutaneous malignant, susceptibility to, 10. Identifiers: Orphanet 618, MedGen C4014476, MONDO:0014368, OMIM 615848.

Submission:

Labcorp Genetics (formerly Invitae), Labcorp
Classification: Uncertain significance for Tumor predisposition syndrome 3. Last evaluated: 2022-05-03. Review status: criteria provided, single submitter. Criteria: Invitae Variant Classification Sherloc (09022015). Collection method: clinical testing. Allele origin: unknown.
Comment: This variant results in a copy number gain of the genomic region encompassing exon(s) 5-6 of the POT1 gene. This region includes the initiator codon of the gene. This copy number gain extends beyond the assayed region for this gene and therefore may encompass additional genes. As the precise location of this event is unknown, it may be in tandem or it may be located elsewhere in the genome. This variant has not been reported in the literature in individuals affected with POT1-related conditions. Experimental studies and prediction algorithms are not available or were not evaluated, and the functional significance of this variant is currently unknown. In summary, the available evidence is currently insufficient to determine the role of this variant in disease. Therefore, it has been classified as a Variant of Uncertain Significance.